The following is an entry in ClinVar:

NM_152564.5(VPS13B):c.4959del (p.His1654fs)

Gene: VPS13B (vacuolar protein sorting 13 homolog B; plus strand). Cytogenetic location: 8q22.2.
Variant type: Deletion.
Coding change: c.4959del on transcript NM_152564.5 (MANE Select); coding-DNA position 4959, one base deleted (G; older notation c.4959delG).
Protein change: p.His1654fs; shifts the reading frame from histidine 1654.
Molecular consequence: frameshift variant.
Genome position (GRCh38, 1-based): chr8:99,575,667, G deleted; the last of 2 consecutive G bases (chr8:99,575,666-99,575,667); deleting either gives the same sequence. VCF-style (leftmost placement, unchanged base first): chr8-99575665-CG-C. GRCh37 (hg19) VCF-style: chr8-100587893-CG-C.
Other names: c.5034delG (NM_017890.4); c.5034del, p.His1679fs (NM_017890.5); short protein forms H1654fs, H1679fs.
Identifiers: ClinVar variation 953655 (VCV000953655.9), dbSNP rs1166814614, ClinGen allele CA857583607.
Genomic context (GRCh38, chr8:99,575,665, plus strand): 5'-AATTGTCTTTGAAAATAATGAAATGGCTAATAATCTTTTACTCTATCTTTTAGCATACGG[CG>C]GCATCAAGAAAGGAGAGCAATTTTGACCCCCGTTTTGACAGATTTTTCTGTCCGAATAAC-3'

ClinVar aggregate classification (germline): Pathogenic/Likely pathogenic. Review status: criteria provided, multiple submitters, no conflicts (2 of 4 stars). 3 submissions from 3 submitters: Pathogenic (1); Likely pathogenic (2). Last evaluated 2025-09-02.

Conditions:
VPS13B-related disorder. Also called: VPS13B-related condition.
Cohen syndrome (COH1). Also called: PEPPER SYNDROME; Cutis verticis gyrata, retinitis pigmentosa, and sensorineural deafness. Identifiers: Orphanet 193, MedGen C0265223, MONDO:0008999, OMIM 216550.

Submissions (3):

Natera, Inc.
Classification: Likely pathogenic for Cohen syndrome. Last evaluated: 2025-09-02. Review status: criteria provided, single submitter. Criteria: Natera Variant Classification Schema (03/2026). Collection method: clinical testing. Allele origin: germline.
Comment: The c.5034delG variant in VPS13B is a frameshift variant predicted to shift the reading frame beginning at codon 1679 and leads to a stop codon 8 codons downstream. This variant is expected to result in nonsense mediated decay, truncation, or a dysfunctional protein product. This variant is rare in the general population with a frequency below the threshold expected for the associated phenotype(s). Given the available evidence, this variant is classified as Likely Pathogenic.

Labcorp Genetics (formerly Invitae), Labcorp
Classification: Pathogenic for Cohen syndrome. Last evaluated: 2022-07-27. Review status: criteria provided, single submitter. Criteria: Invitae Variant Classification Sherloc (09022015). Collection method: clinical testing. Allele origin: germline.
Comment: For these reasons, this variant has been classified as Pathogenic. ClinVar contains an entry for this variant (Variation ID: 953655). This variant has not been reported in the literature in individuals affected with VPS13B-related conditions. This variant is not present in population databases (gnomAD no frequency). This sequence change creates a premature translational stop signal (p.His1679Ilefs*8) in the VPS13B gene. It is expected to result in an absent or disrupted protein product. Loss-of-function variants in VPS13B are known to be pathogenic (PMID: 15141358, 16648375, 20461111).

Blueprint Genetics
Classification: Likely pathogenic for VPS13B-related disorders. Last evaluated: 2022-04-01. Review status: criteria provided, single submitter. Criteria: ACMG Guidelines, 2015. Collection method: clinical testing. Allele origin: germline. Affected: yes. Observed: 1 variant allele.

Literature cited by the submitters: PubMed 15141358 (cited by Labcorp Genetics (formerly Invitae), Labcorp); PubMed 16648375 (cited by Labcorp Genetics (formerly Invitae), Labcorp); PubMed 20461111 (cited by Labcorp Genetics (formerly Invitae), Labcorp).